The following is an entry in ClinVar:

GRCh38/hg38 3p21.1-14.1(chr3:54045018-66060461)x1

Genes: ABHD6 (abhydrolase domain containing 6, acylglycerol lipase; plus strand), ACOX2 (acyl-CoA oxidase 2; minus strand), ADAMTS9 (ADAM metallopeptidase with thrombospondin type 1 motif 9; minus strand), ADAMTS9-AS1 (ADAMTS9 antisense RNA 1; plus strand), ADAMTS9-AS2 (ADAMTS9 antisense RNA 2; plus strand) and 216 more. Cytogenetic location: 3p21.1-14.1.
Variant type: copy number loss.
Change: copy number 1 (one copy instead of two) of chr3:54,045,018-66,060,461 (12.02 Mb, GRCh38 coordinates, 1-based), cytogenetic band 3p21.1-14.1.
Identifiers: ClinVar variation 57386 (VCV000057386.1).

ClinVar aggregate classification (germline): Pathogenic (1 of 4 stars; one submission).

Submission:

ISCA site 4
Classification: Pathogenic. Last evaluated: 2011-08-12. Review status: criteria provided, single submitter. Criteria: Kaminsky et al. (Genet Med. 2011). Collection method: clinical testing. Allele origin: de novo. Affected: yes. Observed: 1 variant allele.
Comment: Copy number variation identified through the course of routine clinical cytogenomic testing in postnatal populations. Clinical assertions have been curated as described in Kaminsky et al. 2011.